The following is an entry in ClinVar:

ClinVar aggregate classification (germline): Uncertain significance (1 of 4 stars; one submission).

Conditions:
Dyskeratosis congenita. Identifiers: Orphanet 1775, MedGen C0265965, MONDO:0015780.

Submission:

Ambry Genetics
Classification: Uncertain significance for Dyskeratosis congenita. Last evaluated: 2025-12-12. Review status: criteria provided, single submitter. Criteria: Ambry Variant Classification Scheme 2023. Collection method: clinical testing. Allele origin: germline.
Comment: The p.F809Y variant (also known as c.2426T>A), located in coding exon 8 of the TERT gene, results from a T to A substitution at nucleotide position 2426. The phenylalanine at codon 809 is replaced by tyrosine, an amino acid with highly similar properties. This amino acid position is conserved. In addition, the in silico prediction for this alteration is inconclusive. Based on the available evidence, the clinical significance of this variant remains unclear.

NM_198253.3(TERT):c.2426T>A (p.Phe809Tyr)

Gene: TERT (telomerase reverse transcriptase; minus strand). Cytogenetic location: 5p15.33.
Variant type: single nucleotide variant.
Coding change: c.2426T>A on transcript NM_198253.3 (MANE Select); coding-DNA position 2426, T replaced by A.
Protein change: p.Phe809Tyr; replaces phenylalanine 809 with tyrosine.
Molecular consequence: missense variant.
Genome position (GRCh38, 1-based): chr5:1,271,161, A>T on the plus strand (T>A on the coding strand, the complement: TERT is on the minus strand). VCF-style: chr5-1271161-A-T. GRCh37 (hg19) VCF-style: chr5-1271276-A-T.
Other names: c.2426T>A, p.Phe809Tyr (NM_001193376.3); short protein forms F809Y.
Identifiers: ClinVar variation 4562010 (VCV004562010.1).